The following is an entry in ClinVar:

NM_001256317.3(TMPRSS3):c.208del (p.His70fs)

Gene: TMPRSS3 (transmembrane serine protease 3; minus strand). Cytogenetic location: 21q22.3.
Variant type: Deletion.
Coding change: c.208del on transcript NM_001256317.3 (MANE Select); coding-DNA position 208, one base deleted (C; older notation c.208delC).
Protein change: p.His70fs; shifts the reading frame from histidine 70.
Molecular consequence: frameshift variant. On other transcripts: 5 prime UTR variant (1).
Genome position (GRCh38, 1-based): chr21:42,389,043, G deleted on the plus strand (C on the coding strand, the reverse complement: TMPRSS3 is on the minus strand); the first of 2 consecutive G bases (chr21:42,389,043-42,389,044); deleting either gives the same sequence. VCF-style (leftmost placement, unchanged base first): chr21-42389042-TG-T. GRCh37 (hg19) VCF-style: chr21-43809151-TG-T.
Other names: c.208delC (NM_024022.4, NM_024022.3, NM_001256317.1 and 1 more transcripts); c.208del, p.His70fs (NM_024022.4, NM_032405.2); c.-174del (NM_032404.3); c.208del (NM_024022.2); short protein forms H70fs.
Identifiers: ClinVar variation 165492 (VCV000165492.73), dbSNP rs727503493, ClinGen allele CA273243.

ClinVar aggregate classification (germline): Pathogenic/Likely pathogenic. Review status: criteria provided, multiple submitters, no conflicts (2 of 4 stars). 27 submissions from 27 submitters: Pathogenic (21); Likely pathogenic (2). 4 of the submissions do not count toward it. Last evaluated 2026-08-01.

Conditions:
Inborn genetic diseases. Identifiers: MedGen C0950123, MeSH D030342.
Autosomal recessive nonsyndromic hearing loss 8 (DFNB8). Also called: Deafness, autosomal recessive 10; NEUROSENSORY NONSYNDROMIC RECESSIVE DEAFNESS 8. Identifiers: Orphanet 90636, MedGen C1832827, MONDO:0010987, OMIM 601072.
Hearing impairment. Also called: Impaired Hearing. Identifiers: MedGen C1384666, MONDO:0005365, HP:0000365.
TMPRSS3-related disorder. Also called: TMPRSS3-related condition.
Rare genetic deafness. Identifiers: Orphanet 96210, MedGen C5680250.
Nonsyndromic genetic hearing loss. Also called: Nonsyndromic hearing loss and deafness; Nonsyndromic genetic deafness; Non-syndromic genetic deafness. Identifiers: Orphanet 87884, MedGen C5680182, MONDO:0019497.

Submissions 1 to 8 of 27:

CeGaT Center for Human Genetics Tuebingen
Classification: Pathogenic. Last evaluated: 2026-08-01. Review status: criteria provided, single submitter. Criteria: CeGaT Center For Human Genetics Tuebingen Variant Classification Criteria Version 2. Collection method: clinical testing. Allele origin: germline. Affected: yes. Observed: 3 variant alleles.
Comment: TMPRSS3: PM3:Very Strong, PVS1, PM2:Supporting

Women's Health and Genetics/Laboratory Corporation of America, LabCorp
Classification: Pathogenic for Autosomal recessive nonsyndromic hearing loss 8. Last evaluated: 2026-06-24. Review status: criteria provided, single submitter. Criteria: LabCorp Variant Classification Summary - May 2015. Collection method: clinical testing. Allele origin: germline.
Comment: Variant summary: TMPRSS3 c.208delC (p.His70ThrfsX19) results in a premature termination codon, predicted to cause a truncation of the encoded protein or absence of the protein due to nonsense mediated decay, which are commonly known mechanisms for disease. Consensus agreement among computation tools predict no significant impact on normal splicing. However, these predictions have yet to be confirmed by functional studies. The variant allele was found at a frequency of 0.00049 in 251230 control chromosomes. This frequency is not significantly higher than estimated for disease-causing variants in TMPRSS3, allowing no conclusion about variant significance. c.208delC has been observed in at least one homozygous individual affected with TMPRSS3-related Deafness, autosomal recessive 8/10 (Likar_2018). These data indicate that the variant is very likely to be associated with disease. To our knowledge, no experimental evidence demonstrating an impact on protein function has been reported. The following publication have been ascertained in the context of this evaluation (PMID: 29293505). ClinVar contains an entry for this variant (Variation ID: 165492). Based on the evidence outlined above, the variant was classified as pathogenic.

PreventionGenetics, part of Exact Sciences
Classification: Pathogenic for TMPRSS3-related condition. Last evaluated: 2026-04-20. Review status: criteria provided, single submitter. Criteria: ACMG Guidelines, 2015. Collection method: clinical testing. Allele origin: germline.
Comment: The TMPRSS3 c.208delC variant is predicted to result in a frameshift and premature protein termination (p.His70Thrfs*19). This variant has been reported to be causative for autosomal recessive nonsyndromic hearing loss (Wattenhofer et al. 2002. PubMed ID: 11907649; Battelino et al. 2016. PubMed ID: 26036852; Lechowicz et al. 2017. PubMed ID: 28566687). This variant is reported in 0.096% of alleles in individuals of Ashkenazi Jewish descent in gnomAD. Frameshift variants in TMPRSS3 are expected to be pathogenic. This variant is interpreted as pathogenic.

Labcorp Genetics (formerly Invitae), Labcorp
Classification: Pathogenic. Last evaluated: 2026-01-25. Review status: criteria provided, single submitter. Criteria: Invitae Variant Classification Sherloc (09022015). Collection method: clinical testing. Allele origin: germline.
Comment: This sequence change creates a premature translational stop signal (p.His70Thrfs*19) in the TMPRSS3 gene. It is expected to result in an absent or disrupted protein product. Loss-of-function variants in TMPRSS3 are known to be pathogenic (PMID: 16021470, 26969326). This variant is present in population databases (rs727503493, gnomAD 0.1%), and has an allele count higher than expected for a pathogenic variant. This premature translational stop signal has been observed in individual(s) with clinical features of autosomal recessive deafness (PMID: 11907649, 28566687, 29293505). This variant is also known as 207delC. ClinVar contains an entry for this variant (Variation ID: 165492). For these reasons, this variant has been classified as Pathogenic.

Variantyx, Inc.
Classification: Pathogenic for Autosomal recessive nonsyndromic hearing loss 8. Last evaluated: 2025-10-16. Review status: criteria provided, single submitter. Criteria: Variantyx Assertion Criteria 2022. Collection method: clinical testing. Allele origin: germline. Inheritance: Autosomal recessive inheritance. Affected: no.
Comment: This is a frameshift variant in the TMPRSS3 gene (OMIM: 605511). Pathogenic variants in this gene have been associated with autosomal recessive deafness 8/10. This variant introduces a premature termination codon in exon 4 out of 13 and is expected to result in loss of function, which is a known disease mechanism for TMPRSS3 in this disorder (PMID: 26036852) (PVS1). It has been identified in the homozygous or compound heterozygous state in several individuals reported in the published literature (PMID: 32658404, 28566687) (PM3) and has a 0.1019% maximum allele frequency in non-founder control populations. Based on the current evidence, this variant is classified as pathogenic for autosomal recessive deafness 8/10.

Victorian Clinical Genetics Services, Murdoch Childrens Research Institute
Classification: Pathogenic for Autosomal recessive nonsyndromic hearing loss 8. Last evaluated: 2024-09-20. Review status: criteria provided, single submitter. Criteria: ACMG Guidelines, 2015. Collection method: clinical testing. Allele origin: germline. Inheritance: Autosomal recessive inheritance. Affected: yes.
Comment: Based on the classification scheme VCGS_Germline_v1.3.4, this variant is classified as Pathogenic. Following criteria are met: 0102 - Loss of function is a known mechanism of disease in this gene and is associated with autosomal recessive deafness 8/10 (MIM#601072). (I) 0106 - This gene is associated with autosomal recessive disease. (I) 0201 - Variant is predicted to cause nonsense-mediated decay (NMD) and loss of protein (premature termination codon is located at least 54 nucleotides upstream of the final exon-exon junction). (SP) 0252 - This variant is homozygous. (I) 0304 - Variant is present in gnomAD (v2) <0.01 for a recessive condition (136 heterozygotes, 0 homozygotes). (SP) 0701 - Many other NMD-predicted variants comparable to the one identified in this case have very strong previous evidence for pathogenicity (DECIPHER). (SP) 0801 - This variant has strong previous evidence of pathogenicity in unrelated individuals. This variant has been classified as pathogenic or likely pathogenic by multiple clinical laboratories in ClinVar. (SP) 1208 - Inheritance information for this variant is not currently available in this individual. (I) Legend: (SP) - Supporting pathogenic, (I) - Information, (SB) - Supporting benign

Blueprint Genetics
Classification: Pathogenic for TMPRSS3-related disorders. Last evaluated: 2024-09-19. Review status: criteria provided, single submitter. Criteria: ACMG Guidelines, 2015. Collection method: clinical testing. Allele origin: germline. Affected: yes. Observed: 5 variant alleles.

Laboratory for Molecular Medicine, Mass General Brigham Personalized Medicine
Classification: Pathogenic for Rare genetic deafness. Last evaluated: 2024-04-08. Review status: criteria provided, single submitter. Criteria: ACMG Guidelines, 2015. Collection method: clinical testing. Allele origin: germline. Inheritance: Autosomal recessive inheritance.
Comment: The p.His70ThrfsX19 variant in TMPRSS3 has been reported in the homozygous or compound heterozygous state in more than 10 individuals with nonsyndromic hearing loss and segregated with disease in more than 10 affected relatives from over 5 families (Wattenhofer 2002 PMID: 11907649, Ahmed 2004 PMID: 15447792, Kecmanović 2008 PMID: 19170735, Weegerink 2011 PMID: 21786053, Lee 2012 PMID: 21534946, Battelino 2016 PMID: 26036852, LMM data). It has been identified in 0.1% (1202/1180022) of European chromosomes, including 1 homozygote by gnomAD (v4.0.0); however, this frequency is low enough to be consistent with a recessive carrier frequency for hearing loss. This variant is predicted to cause a frameshift, which alters the protein's amino acid sequence beginning at codon 70 and leads to a premature stop codon 19 amino acids downstream. This alteration is then predicted to lead to a truncated or absent protein. Biallelic loss of function of the TMPRSS3 gene is an established disease mechanism in autosomal recessive nonsyndromic hearing loss. In summary, this variant meets criteria to be classified as pathogenic for autosomal recessive nonsyndromic hearing loss. ACMG/AMP Criteria applied: PVS1, PM3_VeryStrong, PP1_Strong, PM2_Supporting.